The following is an entry in ClinVar:

NM_054012.4(ASS1):c.839-6G>A

Gene: ASS1 (argininosuccinate synthase 1; plus strand). Cytogenetic location: 9q34.11.
Variant type: single nucleotide variant.
Coding change: c.839-6G>A on transcript NM_054012.4 (MANE Select); 6 bases into the intron before coding-DNA position 839, G replaced by A.
Molecular consequence: intron variant.
Genome position (GRCh38, 1-based): chr9:130,489,327, G>A. VCF-style: chr9-130489327-G-A. GRCh37 (hg19) VCF-style: chr9-133364714-G-A.
Other names: c.839-6G>A (NM_000050.4).
Identifiers: ClinVar variation 1512316 (VCV001512316.8), dbSNP rs766187530, ClinGen allele CA2573144057.

ClinVar aggregate classification (germline): Uncertain significance (1 of 4 stars; one submission).

Conditions:
Citrullinemia. Identifiers: Orphanet 187, MedGen C0175683, MONDO:0015991.

Submission:

Labcorp Genetics (formerly Invitae), Labcorp
Classification: Uncertain significance for Citrullinemia. Last evaluated: 2021-06-01. Review status: criteria provided, single submitter. Criteria: Invitae Variant Classification Sherloc (09022015). Collection method: clinical testing. Allele origin: germline.
Comment: In summary, the available evidence is currently insufficient to determine the role of this variant in disease. Therefore, it has been classified as a Variant of Uncertain Significance. This sequence change falls in intron 12 of the ASS1 gene. It does not directly change the encoded amino acid sequence of the ASS1 protein. This variant is not present in population databases (ExAC no frequency). This variant has not been reported in the literature in individuals with ASS1-related conditions. Algorithms developed to predict the effect of sequence changes on RNA splicing suggest that this variant may disrupt the consensus splice site, but this prediction has not been confirmed by published transcriptional studies.